The following is an entry in ClinVar:

ClinVar aggregate classification (germline): Pathogenic (1 of 4 stars; one submission).

Conditions:
Ehlers-Danlos syndrome, classic type, 1 (EDSCL1). Also called: EHLERS-DANLOS SYNDROME, GRAVIS TYPE; EHLERS-DANLOS SYNDROME, SEVERE CLASSIC TYPE; Ehlers-Danlos syndrome, type 1; Ehlers-Danlos Syndrome, Classic Type, COL5A1-Related; EDS I. Identifiers: MedGen C0268335, MONDO:0019567, OMIM 130000.

Submission:

Labcorp Genetics (formerly Invitae), Labcorp
Classification: Pathogenic for Ehlers-Danlos syndrome, classic type, 1. Last evaluated: 2024-05-22. Review status: criteria provided, single submitter. Criteria: Invitae Variant Classification Sherloc (09022015). Collection method: clinical testing. Allele origin: germline.
Comment: This sequence change creates a premature translational stop signal (p.Lys1167Glufs*31) in the COL5A1 gene. It is expected to result in an absent or disrupted protein product. Loss-of-function variants in COL5A1 are known to be pathogenic (PMID: 23587214). This variant is not present in population databases (gnomAD no frequency). This variant has not been reported in the literature in individuals affected with COL5A1-related conditions. For these reasons, this variant has been classified as Pathogenic.

Literature cited by the submitters: PubMed 23587214.

NM_000093.5(COL5A1):c.3498dup (p.Lys1167fs)

Gene: COL5A1 (collagen type V alpha 1 chain; plus strand). Cytogenetic location: 9q34.3.
Variant type: Duplication.
Coding change: c.3498dup on transcript NM_000093.5 (MANE Select); coding-DNA position 3498, one base duplicated (G; older notation c.3498dupG).
Protein change: p.Lys1167fs; shifts the reading frame from lysine 1167.
Molecular consequence: frameshift variant.
Genome position (GRCh38, 1-based): chr9:134,810,278, G duplicated. VCF-style (leftmost placement, unchanged base first): chr9-134810277-A-AG. GRCh37 (hg19) VCF-style: chr9-137702123-A-AG.
Other names: c.3498dup, p.Lys1167fs (NM_001278074.1); short protein forms K1167fs.
Identifiers: ClinVar variation 3654215 (VCV003654215.2).
Genomic context (GRCh38, chr9:134,810,277, plus strand): 5'-TCAAGCTTTCTAACCGAATCCCCCACACCTTCCCCTAGGGAGAGATCGGGGAGCCGGGGC[A>AG]GAAAGGAAGCAAGGGGGACAAAGGAGAACAGGTAAGTATTGGCACGGGGGCGCGCGGCAG-3'